The following is an entry in ClinVar:

NM_002439.5(MSH3):c.1148del (p.Lys383fs)

Gene: MSH3 (mutS homolog 3; plus strand). Cytogenetic location: 5q14.1.
Variant type: Deletion.
Coding change: c.1148del on transcript NM_002439.5 (MANE Select); coding-DNA position 1148, one base deleted (A; older notation c.1148delA).
Protein change: p.Lys383fs; shifts the reading frame from lysine 383.
Molecular consequence: frameshift variant.
Genome position (GRCh38, 1-based): chr5:80,675,103, A deleted; the last of 8 consecutive A bases (chr5:80,675,096-80,675,103); deleting any one gives the same sequence. VCF-style (leftmost placement, unchanged base first): chr5-80675095-CA-C. GRCh37 (hg19) VCF-style: chr5-79970914-CA-C.
Other names: c.1148delA (NM_002439.4, NM_002439.5); short protein forms K383fs.
Identifiers: ClinVar variation 8738 (VCV000008738.35), dbSNP rs587776701, ClinGen allele CA119871.
Genomic context (GRCh38, chr5:80,675,095, plus strand): 5'-GACTGATACTTCTACCAGCTATCTTCTGTGCATCTCTGAAAATAAGGAAAATGTTAGGGA[CA>C]AAAAAAAGGGCAACATTTTTATTGGCATTGTGGTAAGTACTTTGCAGGTGAGGAACAAAT-3'

ClinVar aggregate classification (germline): Pathogenic/Likely pathogenic. Review status: criteria provided, multiple submitters, no conflicts (2 of 4 stars). 11 submissions from 10 submitters: Pathogenic (7); Likely pathogenic (2). 2 of the submissions do not count toward it. Last evaluated 2026-07-14.
ClinVar aggregate classification (oncogenicity): Likely oncogenic (1 of 4 stars; one submission).

Conditions:
MSH3-related disorder. Also called: MSH3-related condition.
Familial adenomatous polyposis 4 (FAP4). Also called: MSH3-related attenuated familial adenomatous polyposis. Identifiers: Orphanet 480536, MedGen C4310719, MONDO:0044300, OMIM 617100.
Hereditary cancer-predisposing syndrome. Also called: Neoplastic Syndromes, Hereditary; Tumor predisposition; Hereditary Cancer Syndrome; Hereditary neoplastic syndrome. Identifiers: Orphanet 140162, MedGen C0027672, MeSH D009386, MONDO:0015356.
Endometrial carcinoma. Also called: Endometrial carcinoma, somatic. Identifiers: MedGen C0476089, MONDO:0002447, OMIM 608089, HP:0012114.
Neoplasm. Also called: tumor; Neoplasms; Neoplasm (disease). Identifiers: MedGen C0027651, MeSH D009369, MONDO:0005070, HP:0002664.

Submissions (12):

PreventionGenetics, part of Exact Sciences
Classification: Likely pathogenic for MSH3-related condition. Last evaluated: 2026-07-14. Review status: criteria provided, single submitter. Criteria: ACMG Guidelines, 2015. Collection method: clinical testing. Allele origin: germline.
Comment: The MSH3 c.1148delA variant is predicted to result in a frameshift and premature protein termination (p.Lys383Argfs*32). This variant has been reported in three individuals with autosomal recessive colorectal adenomatous polyposis (Table S4, Adam et al. 2016. PubMed ID: 27476653; Perne et al. 2021. PubMed ID: 34843512). This variant is reported in 0.024% of alleles in individuals of European (Finnish) descent in gnomAD and is interpreted as pathogenic in ClinVar (Variation ID: 642843). Frameshift variants in MSH3 are expected to be pathogenic. This variant is interpreted as likely pathogenic.

Labcorp Genetics (formerly Invitae), Labcorp
Classification: Pathogenic. Last evaluated: 2026-01-20. Review status: criteria provided, single submitter. Criteria: Invitae Variant Classification Sherloc (09022015). Collection method: clinical testing. Allele origin: germline.
Comment: This sequence change creates a premature translational stop signal (p.Lys383Argfs*32) in the MSH3 gene. It is expected to result in an absent or disrupted protein product. Loss-of-function variants in MSH3 are known to be pathogenic (PMID: 27476653, 37402566). The frequency data for this variant in the population databases is considered unreliable, as metrics indicate poor data quality at this position in the gnomAD database. This premature translational stop signal has been observed in individual(s) with colorectal adenomatous polyposis (PMID: 27476653). ClinVar contains an entry for this variant (Variation ID: 8738). RNA analysis performed to evaluate the impact of this premature translational stop signal on mRNA splicing indicates it does not significantly alter splicing (internal data). For these reasons, this variant has been classified as Pathogenic.

Ambry Genetics
Classification: Pathogenic for Hereditary cancer-predisposing syndrome. Last evaluated: 2025-09-16. Review status: criteria provided, single submitter. Criteria: Ambry Variant Classification Scheme 2023. Collection method: clinical testing. Allele origin: germline.
Comment: The c.1148delA pathogenic mutation, located in coding exon 7 of the MSH3 gene, results from a deletion of one nucleotide at nucleotide position 1148, causing a translational frameshift with a predicted alternate stop codon (p.K383Rfs*32). This variant has been identified in the homozygous state and/or in conjunction with other MSH3 variant(s) in individual(s) with colorectal cancer, gastric cancer, and/or colon/duodenal polyps (Adam R et al. Am. J. Hum. Genet., 2016 Aug;99:337-51). This variant is considered to be rare based on population cohorts in the Genome Aggregation Database (gnomAD). This alteration is expected to result in loss of function by premature protein truncation or nonsense-mediated mRNA decay. As such, this alteration is interpreted as a disease-causing mutation.

Center for Genomic Medicine, Rigshospitalet, Copenhagen University Hospital
Classification: Likely oncogenic for Neoplasm. Last evaluated: 2025-03-04. Review status: criteria provided, single submitter. Criteria: ClinGen/CGC/VICC Guidelines for Oncogenicity, 2022. Collection method: clinical testing. Allele origin: somatic. Affected: yes.

Department of Pathology and Laboratory Medicine, Sinai Health System
Classification: Pathogenic for familial adenomatous polyposis 4. Last evaluated: 2024-10-21. Review status: criteria provided, single submitter. Criteria: ACMG Guidelines, 2015. Collection method: clinical testing. Allele origin: germline.

Baylor Genetics
Classification: Pathogenic for Endometrial carcinoma. Last evaluated: 2024-02-02. Review status: criteria provided, single submitter. Criteria: ACMG Guidelines, 2015. Collection method: clinical testing. Allele origin: unknown.

Myriad Genetics, Inc.
Classification: Pathogenic for Familial adenomatous polyposis 4. Last evaluated: 2023-08-29. Review status: criteria provided, single submitter. Criteria: Myriad Autosomal Dominant, Autosomal Recessive and X-Linked Classification Criteria (2023). Collection method: clinical testing. Allele origin: unknown.
Comment: This variant is considered pathogenic. This variant creates a frameshift predicted to result in premature protein truncation.

GeneDx
Classification: Likely pathogenic. Last evaluated: 2023-04-13. Review status: criteria provided, single submitter. Criteria: GeneDx Variant Classification Process June 2021. Collection method: clinical testing. Allele origin: germline. Affected: yes.
Comment: Observed with a second MSH3 variant in two siblings with multiple colorectal polyps, colorectal cancer, and other cancers (Adam et al., 2016); Frameshift variant predicted to result in protein truncation or nonsense mediated decay in a gene for which loss of function is a known mechanism of disease; Not observed at significant frequency in large population cohorts (gnomAD); This variant is associated with the following publications: (PMID: 34843512, 27476653, 28528517, 8782829)

CENTOGENE GmbH and LLC - Guiding Precision Medicine
Classification: Pathogenic for Endometrial carcinoma. Last evaluated: 2021-02-12. Review status: criteria provided, single submitter. Criteria: ACMG Guidelines, 2015. Collection method: clinical testing. Allele origin: somatic.

ARUP Laboratories, Molecular Genetics and Genomics, ARUP Laboratories
Classification: Pathogenic. Last evaluated: 2020-08-21. Review status: criteria provided, single submitter. Criteria: ARUP Molecular Germline Variant Investigation Process. Collection method: clinical testing. Allele origin: germline.
Comment: The MSH3 c.1148delA; p.Lys383Argfs*32 variant (rs587776701) has been previously published with a additional pathogenic variant on the opposite chromosome in an individual with autosomal recessive subtype4 of colorectal adenomatous polyposis (Adam 2016). The variant is reported as pathogenic in the ClinVar database (Variation ID: 8738) and is found in the general population with an overall allele frequency of 0.001079% (3/277,990 alleles) in the Genome Aggregation Database. This variant causes a frameshift by deleting a single nucleotide, so it is predicted to result in a truncated protein or mRNA subject to nonsense-mediated decay. Based on available information, this variant is considered to be pathogenic. References: Adam et al. Exome Sequencing Identifies Biallelic MSH3 Germline Mutations as a Recessive Subtype of Colorectal Adenomatous Polyposis. Am J Hum Genet. 2016 Aug 4;99(2):337-51.

OMIM
Classification: Pathogenic for FAMILIAL ADENOMATOUS POLYPOSIS 4. Last evaluated: 1996-09-01. Review status: no assertion criteria provided. Collection method: literature only. Allele origin: unknown. Not counted in ClinVar's aggregate classification.

OMIM
Classification: Pathogenic for ENDOMETRIAL CANCER, SOMATIC. Last evaluated: 1996-09-01. Review status: no assertion criteria provided. Collection method: literature only. Allele origin: somatic. Not counted in ClinVar's aggregate classification.

Literature cited by the submitters: PubMed 27476653 (cited by 5 submitters); PubMed 37402566 (cited by Labcorp Genetics (formerly Invitae), Labcorp); PubMed 8782829 (cited by OMIM).